The following is an entry in ClinVar:

ClinVar aggregate classification (germline): Uncertain significance (1 of 4 stars; one submission).

gnomAD v4.1: 1 of 1,613,300 alleles (0.000062%); highest among the groups gnomAD compares: Non-Finnish European, 0.000085%; no homozygotes.

Submission:

Ambry Genetics
Classification: Uncertain significance. Last evaluated: 2025-02-24. Review status: criteria provided, single submitter. Criteria: Ambry Variant Classification Scheme 2023. Collection method: clinical testing. Allele origin: germline.
Comment: The p.K243N variant (also known as c.729A>C), located in coding exon 7 of the KIF1B gene, results from an A to C substitution at nucleotide position 729. The lysine at codon 243 is replaced by asparagine, an amino acid with similar properties. This amino acid position is conserved. In addition, the in silico prediction for this alteration is inconclusive. Based on the available evidence, the clinical significance of this variant remains unclear.

NM_001365951.3(KIF1B):c.729A>C (p.Lys243Asn)

Gene: KIF1B (kinesin family member 1B; plus strand). Cytogenetic location: 1p36.22.
Variant type: single nucleotide variant.
Coding change: c.729A>C on transcript NM_001365951.3 (MANE Select); coding-DNA position 729, A replaced by C.
Protein change: p.Lys243Asn; replaces lysine 243 with asparagine.
Molecular consequence: missense variant.
Genome position (GRCh38, 1-based): chr1:10,271,510, A>C. VCF-style: chr1-10271510-A-C. GRCh37 (hg19) VCF-style: chr1-10331568-A-C.
Other names: c.729A>C, p.Lys243Asn (NM_001365952.1, NM_001365953.1, NM_015074.3 and 1 more transcripts); short protein forms K243N.
Identifiers: ClinVar variation 3864016 (VCV003864016.1).
Genomic context (GRCh38, chr1:10,271,510, plus strand): 5'-GCTTCTATCTTGCTTATTTTTGAATTGCCCCCATGTTATTGTTCTTTATCAGGTCAGTAA[A>C]ATCAGCTTGGTGGATCTAGCAGGAAGTGAACGAGCTGATTCAACTGGTGCCAAAGGGACT-3'
Protein context (NP_001352880.1, residues 233-253): ETNLSTEKVS[Lys243Asn]ISLVDLAGSE